The following is an entry in ClinVar:

NM_016004.5(IFT52):c.12G>C (p.Glu4Asp)

Gene: IFT52 (intraflagellar transport 52; plus strand). Cytogenetic location: 20q13.12.
Variant type: single nucleotide variant.
Coding change: c.12G>C on transcript NM_016004.5 (MANE Select); coding-DNA position 12, G replaced by C.
Protein change: p.Glu4Asp; replaces glutamic acid 4 with aspartic acid.
Molecular consequence: missense variant. On other transcripts: 5 prime UTR variant (4).
Genome position (GRCh38, 1-based): chr20:43,594,710, G>C. VCF-style: chr20-43594710-G-C. GRCh37 (hg19) VCF-style: chr20-42223350-G-C.
Other names: c.12G>C, p.Glu4Asp (NM_001303458.3, NM_001303459.3); c.-660G>C (NM_001323578.2, NM_001323580.2); c.-753G>C (NM_001323579.2, NM_001323581.2); c.12G>C (NM_016004.2); short protein forms E4D.
Identifiers: ClinVar variation 1409424 (VCV001409424.5), dbSNP rs138787768, ClinGen allele CA9866744.
Genomic context (GRCh38, chr20:43,594,710, plus strand): 5'-AATATTGTTTATTGATTTTCTGATCCCATCTTTCTTCCATAAGGTAACCATGGAGAAAGA[G>C]CTGCGGAGCACCATTCTTTTCAATGCCTACAAAAAGGAGATATTTACCACCAACAATGGC-3'
Protein context (NP_057088.2, residues 1-14): MEK[Glu4Asp]LRSTILFNAY

ClinVar aggregate classification (germline): Uncertain significance. Review status: criteria provided, multiple submitters, no conflicts (2 of 4 stars). 2 submissions from 2 submitters: Uncertain significance (2). Last evaluated 2025-12-15.

Allele frequency attached by ClinVar (database versions not stated): ExAC 0.00005; gnomAD exomes 0.00005; TOPMed 0.00017; gnomAD 0.00021; 1000 Genomes Project 30x 0.00031; ESP Exome Variant Server 0.00038; 1000 Genomes Project 0.00040.
gnomAD v4.1: 53 of 1,591,416 alleles (0.0033%); highest among the groups gnomAD compares: African/African-American, 0.06%; no homozygotes.

Submissions (2):

Ambry Genetics
Classification: Uncertain significance. Last evaluated: 2025-12-15. Review status: criteria provided, single submitter. Criteria: Ambry Variant Classification Scheme 2023. Collection method: clinical testing. Allele origin: germline.

Labcorp Genetics (formerly Invitae), Labcorp
Classification: Uncertain significance. Last evaluated: 2024-01-17. Review status: criteria provided, single submitter. Criteria: Invitae Variant Classification Sherloc (09022015). Collection method: clinical testing. Allele origin: germline.
Comment: This sequence change replaces glutamic acid with aspartic acid at codon 4 of the IFT52 protein (p.Glu4Asp). The glutamic acid residue is weakly conserved and there is a small physicochemical difference between glutamic acid and aspartic acid. This variant is present in population databases (rs138787768, gnomAD 0.07%). This variant has not been reported in the literature in individuals affected with IFT52-related conditions. ClinVar contains an entry for this variant (Variation ID: 1409424). Algorithms developed to predict the effect of missense changes on protein structure and function output the following: SIFT: "Not Available"; PolyPhen-2: "Benign"; Align-GVGD: "Not Available". The aspartic acid amino acid residue is found in multiple mammalian species, which suggests that this missense change does not adversely affect protein function. In summary, the available evidence is currently insufficient to determine the role of this variant in disease. Therefore, it has been classified as a Variant of Uncertain Significance.